The following is an entry in ClinVar:

NM_001040108.2(MLH3):c.1858T>G (p.Ser620Ala)

Gene: MLH3 (mutL homolog 3; minus strand). Cytogenetic location: 14q24.3.
Variant type: single nucleotide variant.
Coding change: c.1858T>G on transcript NM_001040108.2 (MANE Select); coding-DNA position 1858, T replaced by G.
Protein change: p.Ser620Ala; replaces serine 620 with alanine.
Molecular consequence: missense variant.
Genome position (GRCh38, 1-based): chr14:75,047,798, A>C on the plus strand (T>G on the coding strand, the complement: MLH3 is on the minus strand). VCF-style: chr14-75047798-A-C. GRCh37 (hg19) VCF-style: chr14-75514501-A-C.
Other names: c.1858T>G, p.Ser620Ala (NM_014381.3); short protein forms S620A.
Identifiers: ClinVar variation 238245 (VCV000238245.12), dbSNP rs878854162, ClinGen allele CA10583182.

ClinVar aggregate classification (germline): Uncertain significance. Review status: criteria provided, multiple submitters, no conflicts (2 of 4 stars). 2 submissions from 2 submitters: Uncertain significance (2). Last evaluated 2024-06-30.

Conditions:
Colorectal cancer, hereditary nonpolyposis, type 7. Identifiers: Orphanet 144, MedGen C1858380, MONDO:0013725, OMIM 614385.

Allele frequency attached by ClinVar (database versions not stated): gnomAD exomes below 0.00001.
gnomAD v4.1: 2 of 1,614,002 alleles (0.00012%); highest among the groups gnomAD compares: Non-Finnish European, 0.00017%; no homozygotes.

Submissions (2):

Labcorp Genetics (formerly Invitae), Labcorp
Classification: Uncertain significance for Colorectal cancer, hereditary nonpolyposis, type 7. Last evaluated: 2024-06-30. Review status: criteria provided, single submitter. Criteria: Invitae Variant Classification Sherloc (09022015). Collection method: clinical testing. Allele origin: germline.
Comment: This sequence change replaces serine, which is neutral and polar, with alanine, which is neutral and non-polar, at codon 620 of the MLH3 protein (p.Ser620Ala). This variant is not present in population databases (gnomAD no frequency). This variant has not been reported in the literature in individuals affected with MLH3-related conditions. ClinVar contains an entry for this variant (Variation ID: 238245). An algorithm developed to predict the effect of missense changes on protein structure and function (PolyPhen-2) suggests that this variant is likely to be tolerated. In summary, the available evidence is currently insufficient to determine the role of this variant in disease. Therefore, it has been classified as a Variant of Uncertain Significance.

Ambry Genetics
Classification: Uncertain significance. Last evaluated: 2024-06-15. Review status: criteria provided, single submitter. Criteria: Ambry Variant Classification Scheme 2023. Collection method: clinical testing. Allele origin: germline.
Comment: The p.S620A variant (also known as c.1858T>G), located in coding exon 1 of the MLH3 gene, results from a T to G substitution at nucleotide position 1858. The serine at codon 620 is replaced by alanine, an amino acid with similar properties. This amino acid position is not well conserved in available vertebrate species. In addition, this alteration is predicted to be tolerated by in silico analysis. Since supporting evidence is limited at this time, the clinical significance of this alteration remains unclear.